The following is an entry in ClinVar:

ClinVar aggregate classification (germline): Uncertain significance (1 of 4 stars; one submission).

Conditions:
Hereditary cancer-predisposing syndrome. Also called: Hereditary Cancer Syndrome; Hereditary neoplastic syndrome; Neoplastic Syndromes, Hereditary; Tumor predisposition. Identifiers: Orphanet 140162, MedGen C0027672, MeSH D009386, MONDO:0015356.

Submission:

Ambry Genetics
Classification: Uncertain significance for Hereditary cancer-predisposing syndrome. Last evaluated: 2025-05-30. Review status: criteria provided, single submitter. Criteria: Ambry Variant Classification Scheme 2023. Collection method: clinical testing. Allele origin: germline.
Comment: The p.K1088N variant (also known as c.3264G>T), located in coding exon 15 of the APC gene, results from a G to T substitution at nucleotide position 3264. The lysine at codon 1088 is replaced by asparagine, an amino acid with similar properties. This amino acid position is highly conserved in available vertebrate species. In addition, in silico predictors for this gene do not accurately predict pathogenicity. Missense alterations in APC are not a common cause of disease (Spier I et al. Genet Med. 2024 Feb;26(2):100992). Based on the available evidence, the clinical significance of this variant remains unclear.

NM_000038.6(APC):c.3264G>T (p.Lys1088Asn)

Gene: APC (APC regulator of Wnt signaling pathway; plus strand). Cytogenetic location: 5q22.2.
Variant type: single nucleotide variant.
Coding change: c.3264G>T on transcript NM_000038.6 (MANE Select); coding-DNA position 3264, G replaced by T.
Protein change: p.Lys1088Asn; replaces lysine 1088 with asparagine.
Molecular consequence: missense variant. On other transcripts: non-coding transcript variant (2).
Genome position (GRCh38, 1-based): chr5:112,838,858, G>T. VCF-style: chr5-112838858-G-T. GRCh37 (hg19) VCF-style: chr5-112174555-G-T.
Other names: c.3264G>T, p.Lys1088Asn (NM_001127510.3, NM_001354895.2, NM_001407450.1); c.3210G>T, p.Lys1070Asn (NM_001127511.3); c.3318G>T, p.Lys1106Asn (NM_001354896.2, NM_001407447.1, NM_001407448.1 and 1 more transcripts); c.3294G>T, p.Lys1098Asn (NM_001354897.2); c.3189G>T, p.Lys1063Asn (NM_001354898.2); c.3180G>T, p.Lys1060Asn (NM_001354899.2); c.3141G>T, p.Lys1047Asn (NM_001354900.2); c.3087G>T, p.Lys1029Asn (NM_001354901.2, NM_001407453.1); and 11 more; short protein forms K1005N, K1060N, K1070N, K1106N, K704N, K962N, K987N, K1029N.
Identifiers: ClinVar variation 3929429 (VCV003929429.1).